The following is an entry in ClinVar:

NM_000417.3(IL2RA):c.584-3C>G

Gene: IL2RA (interleukin 2 receptor subunit alpha; minus strand). Cytogenetic location: 10p15.1.
Variant type: single nucleotide variant.
Coding change: c.584-3C>G on transcript NM_000417.3 (MANE Select); 3 bases into the intron before coding-DNA position 584, C replaced by G.
Molecular consequence: intron variant.
Genome position (GRCh38, 1-based): chr10:6,019,944, G>C on the plus strand (C>G on the coding strand, the complement: IL2RA is on the minus strand). VCF-style: chr10-6019944-G-C. GRCh37 (hg19) VCF-style: chr10-6061907-G-C.
Other names: p.?; c.368-445C>G (NM_001308243.2); c.368-3C>G (NM_001308242.2).
Identifiers: ClinVar variation 3379942 (VCV003379942.1).

ClinVar aggregate classification (germline): Uncertain significance (1 of 4 stars; one submission).

Submission:

Mayo Clinic Laboratories, Mayo Clinic
Classification: Uncertain significance. Last evaluated: 2024-08-19. Review status: criteria provided, single submitter. Criteria: ACMG Guidelines, 2015. Collection method: clinical testing. Allele origin: germline. Observed: 1 variant allele.
Comment: PM2